The following is an entry in ClinVar:

NM_002451.4(MTAP):c.*1341C>T

Gene: MTAP (methylthioadenosine phosphorylase; plus strand). Cytogenetic location: 9p21.3.
Variant type: single nucleotide variant.
Coding change: c.*1341C>T on transcript NM_002451.4 (MANE Select); 1341 bases downstream of the stop codon, C replaced by T.
Molecular consequence: 3 prime UTR variant.
Genome position (GRCh38, 1-based): chr9:21,863,355, C>T. VCF-style: chr9-21863355-C-T. GRCh37 (hg19) VCF-style: chr9-21863354-C-T.
Identifiers: ClinVar variation 366277 (VCV000366277.5), dbSNP rs111408881, ClinGen allele CA10633245.

ClinVar aggregate classification (germline): Benign (1 of 4 stars; one submission).

Conditions:
Diaphyseal medullary stenosis-bone malignancy syndrome. Also called: MYOPATHY, LIMB-GIRDLE, WITH BONE FRAGILITY; BONE DYSPLASIA WITH MALIGNANT FIBROUS HISTIOCYTOMA; BONE DYSPLASIA WITH MEDULLARY FIBROSARCOMA. Identifiers: Orphanet 85182, MedGen C1862177, MONDO:0007205, OMIM 112250.

Allele frequency attached by ClinVar (database versions not stated): 1000 Genomes Project 30x 0.00375; 1000 Genomes Project 0.00399; gnomAD 0.00815 and 0.00837; TOPMed 0.00841; gnomAD exomes 0.01438.
gnomAD v4.1: 12,790 of 958,808 alleles (1.3%); highest among the groups gnomAD compares: Non-Finnish European, 1.5%; 88 homozygotes.

Submission:

Illumina Laboratory Services, Illumina
Classification: Benign for Diaphyseal medullary stenosis-bone malignancy syndrome. Last evaluated: 2018-01-12. Review status: criteria provided, single submitter. Criteria: ICSL Variant Classification Criteria 13 December 2019. Collection method: clinical testing. Allele origin: germline.
Comment: This variant was observed in the ICSL laboratory as part of a predisposition screen in an ostensibly healthy population. It had not been previously curated by ICSL or reported in the Human Gene Mutation Database (HGMD: prior to June 1st, 2018), and was therefore a candidate for classification through an automated scoring system. Utilizing variant allele frequency, disease prevalence and penetrance estimates, and inheritance mode, an automated score was calculated to assess if this variant is too frequent to cause the disease. Based on the score and internal cut-off values, a variant classified as benign is not then subjected to further curation. The score for this variant resulted in a classification of benign for this disease.